The following is an entry in ClinVar:

ClinVar aggregate classification (germline): Conflicting classifications of pathogenicity. Review status: criteria provided, conflicting classifications (1 of 4 stars). 5 submissions from 5 submitters: Uncertain significance (4); Likely benign (1). Last evaluated 2025-03-04.

Conditions:
Hereditary cancer-predisposing syndrome. Also called: Neoplastic Syndromes, Hereditary; Tumor predisposition; Hereditary Cancer Syndrome; Hereditary neoplastic syndrome. Identifiers: Orphanet 140162, MedGen C0027672, MeSH D009386, MONDO:0015356.
Hereditary breast ovarian cancer syndrome. Also called: Hereditary breast and ovarian cancer syndrome; BRCA1- and BRCA2-Associated Hereditary Breast and Ovarian Cancer; Breast and ovarian cancer; Hereditary breast and/or ovarian cancer syndrome; Hereditary breast and ovarian cancer; Hereditary breast and ovarian cancer syndrome (HBOC). Identifiers: Orphanet 145, MedGen C0677776, MeSH D061325, MONDO:0003582. Disease mechanism: loss of function.

Submissions (5):

Quest Diagnostics Nichols Institute San Juan Capistrano
Classification: Uncertain significance. Last evaluated: 2025-03-04. Review status: criteria provided, single submitter. Criteria: Quest Diagnostics criteria. Collection method: clinical testing. Allele origin: unknown.
Comment: The BRCA1 c.3969A>T (p.Gln1323His) variant has been reported in the published literature in an individual with either a personal or family history of unspecified cancer (PMID: 31853058 (2020)), and described to be located in a region of the BRCA1 gene that is tolerant to missense sequence changes (PMID: 31911673 (2020)). This variant has not been reported in large, multi-ethnic general populations (Genome Aggregation Database). Analysis of this variant using bioinformatics tools for the prediction of the effect of amino acid changes on protein structure and function yielded predictions that this variant is benign. Based on the available information, we are unable to determine the clinical significance of this variant.

Color Diagnostics, LLC DBA Color Health
Classification: Uncertain significance for Hereditary cancer-predisposing syndrome. Last evaluated: 2023-09-05. Review status: criteria provided, single submitter. Criteria: ACMG Guidelines, 2015. Collection method: clinical testing. Allele origin: germline.
Comment: This missense variant replaces glutamine with histidine at codon 1323 in the BRCA1 protein. Computational prediction is inconclusive regarding the impact of this variant on protein structure and function (internally defined REVEL score threshold 0.5 < inconclusive < 0.7, PMID: 27666373). To our knowledge, functional studies have not been reported for this variant. This variant has not been reported in individuals affected with BRCA1-related disorders in the literature. This variant has not been identified in the general population by the Genome Aggregation Database (gnomAD). The available evidence is insufficient to determine the role of this variant in disease conclusively. Therefore, this variant is classified as a Variant of Uncertain Significance.

Ambry Genetics
Classification: Uncertain significance for Hereditary cancer-predisposing syndrome. Last evaluated: 2023-07-03. Review status: criteria provided, single submitter. Criteria: Ambry Variant Classification Scheme 2023. Collection method: clinical testing. Allele origin: germline.
Comment: The p.Q1323H variant (also known as c.3969A>T), located in coding exon 9 of the BRCA1 gene, results from an A to T substitution at nucleotide position 3969. The glutamine at codon 1323 is replaced by histidine, an amino acid with highly similar properties. This amino acid position is well conserved in available vertebrate species. In addition, the in silico prediction for this alteration is inconclusive. Since supporting evidence is limited at this time, the clinical significance of this alteration remains unclear.

University of Washington Department of Laboratory Medicine, University of Washington
Classification: Likely benign for Hereditary cancer-predisposing syndrome. Last evaluated: 2023-03-23. Review status: criteria provided, single submitter. Criteria: Dines et al. (Genet Med. 2020). Collection method: curation. Allele origin: germline.
Comment: Missense variant in a coldspot region where missense variants are very unlikely to be pathogenic (PMID:31911673).

BRCA1 coldspot (exon 11 using historical exon numbering). Reclassification based on statistical prior probability

Labcorp Genetics (formerly Invitae), Labcorp
Classification: Uncertain significance for Hereditary breast ovarian cancer syndrome. Last evaluated: 2021-01-21. Review status: criteria provided, single submitter. Criteria: Invitae Variant Classification Sherloc (09022015). Collection method: clinical testing. Allele origin: germline.
Comment: This sequence change replaces glutamine with histidine at codon 1323 of the BRCA1 protein (p.Gln1323His). The glutamine residue is moderately conserved and there is a small physicochemical difference between glutamine and histidine. This variant is not present in population databases (ExAC no frequency). This variant has not been reported in the literature in individuals with BRCA1-related conditions. ClinVar contains an entry for this variant (Variation ID: 233442). Algorithms developed to predict the effect of missense changes on protein structure and function output the following: SIFT: "Tolerated"; PolyPhen-2: "Benign"; Align-GVGD: "Class C0". The histidine amino acid residue is found in multiple mammalian species, suggesting that this missense change does not adversely affect protein function. These predictions have not been confirmed by published functional studies and their clinical significance is uncertain. In summary, the available evidence is currently insufficient to determine the role of this variant in disease. Therefore, it has been classified as a Variant of Uncertain Significance.

Literature cited by the submitters: PubMed 31911673 (cited by Quest Diagnostics Nichols Institute San Juan Capistrano); PubMed 31853058 (cited by Quest Diagnostics Nichols Institute San Juan Capistrano).

NM_007294.4(BRCA1):c.3969A>T (p.Gln1323His)

Genes: BRCA1 (BRCA1 DNA repair associated; minus strand), LOC126862571 (BRD4-independent group 4 enhancer GRCh37_chr17:41243136-41244335; plus strand). Cytogenetic location: 17q21.31.
Variant type: single nucleotide variant.
Coding change: c.3969A>T on transcript NM_007294.4 (MANE Select); coding-DNA position 3969, A replaced by T.
Protein change: p.Gln1323His; replaces glutamine 1323 with histidine.
Molecular consequence: missense variant. On other transcripts: intron variant (135).
Genome position (GRCh38, 1-based): chr17:43,091,562, T>A on the plus strand (A>T on the coding strand, the complement: BRCA1 is on the minus strand). VCF-style: chr17-43091562-T-A. GRCh37 (hg19) VCF-style: chr17-41243579-T-A.
Other names: c.3828A>T, p.Gln1276His (NM_001407731.1, NM_001407732.1, NM_001407733.1 and 29 more transcripts); c.3825A>T, p.Gln1275His (NM_001407740.1, NM_001407741.1, NM_001407742.1 and 20 more transcripts); c.3756A>T, p.Gln1252His (NM_001407853.1, NM_001407894.1, NM_001407895.1 and 9 more transcripts); c.3969A>T, p.Gln1323His (NM_001407854.1, NM_001407858.1, NM_001407859.1 and 30 more transcripts); c.3966A>T, p.Gln1322His (NM_001407860.1, NM_001407861.1, NM_001407587.1 and 22 more transcripts); c.3768A>T, p.Gln1256His (NM_001407862.1); c.3846A>T, p.Gln1282His (NM_001407863.1, NM_001407919.1, NM_001407937.1 and 19 more transcripts); c.3765A>T, p.Gln1255His (NM_001407874.1, NM_001407875.1); and 41 more; short protein forms Q1323H, Q1276H, Q1155H, Q1211H, Q1212H, Q1252H, Q1253H, Q1256H.
Identifiers: ClinVar variation 233442 (VCV000233442.32), dbSNP rs876660410, ClinGen allele CA10580540.